The following is an entry in ClinVar:

NM_005918.4(MDH2):c.62C>T (p.Ala21Val)

Gene: MDH2 (malate dehydrogenase 2; plus strand). Cytogenetic location: 7q11.23.
Variant type: single nucleotide variant.
Coding change: c.62C>T on transcript NM_005918.4 (MANE Select); coding-DNA position 62, C replaced by T.
Protein change: p.Ala21Val; replaces alanine 21 with valine.
Molecular consequence: missense variant. On other transcripts: 5 prime UTR variant (1), non-coding transcript variant (1).
Genome position (GRCh38, 1-based): chr7:76,048,222, C>T. VCF-style: chr7-76048222-C-T. GRCh37 (hg19) VCF-style: chr7-75677540-C-T.
Other names: c.62C>T, p.Ala21Val (NM_001282403.2); c.-91C>T (NM_001282404.2); c.62C>T (NM_005918.2); short protein forms A21V.
Identifiers: ClinVar variation 1926936 (VCV001926936.5), dbSNP rs1040619285, ClinGen allele CA160902472.
Genomic context (GRCh38, chr7:76,048,222, plus strand): 5'-TGCTCTCCGCCCTCGCCCGGCCTGCCAGCGCTGCTCTCCGCCGCAGCTTCAGCACCTCGG[C>T]CCAGGTAGGCCAGACGAGGGGCGGCCTGCAGGCGGAGGCCCCCCGGCCCGGGCCACGTGC-3'
Protein context (NP_005909.2, residues 11-31): AALRRSFSTS[Ala21Val]QNNAKVAVLG

ClinVar aggregate classification (germline): Uncertain significance. Review status: criteria provided, multiple submitters, no conflicts (2 of 4 stars). 2 submissions from 2 submitters: Uncertain significance (2). Last evaluated 2023-10-03.

Conditions:
Inborn genetic diseases. Identifiers: MedGen C0950123, MeSH D030342.

Allele frequency attached by ClinVar (database versions not stated): gnomAD 0.00001; TOPMed 0.00002.
gnomAD v4.1: 8 of 1,534,690 alleles (0.00052%); highest among the groups gnomAD compares: Middle Eastern, 0.058%; no homozygotes.

Submissions (2):

Labcorp Genetics (formerly Invitae), Labcorp
Classification: Uncertain significance. Last evaluated: 2023-10-03. Review status: criteria provided, single submitter. Criteria: Invitae Variant Classification Sherloc (09022015). Collection method: clinical testing. Allele origin: germline.
Comment: This sequence change replaces alanine, which is neutral and non-polar, with valine, which is neutral and non-polar, at codon 21 of the MDH2 protein (p.Ala21Val). The frequency data for this variant in the population databases is considered unreliable, as metrics indicate poor data quality at this position in the gnomAD database. This variant has not been reported in the literature in individuals affected with MDH2-related conditions. ClinVar contains an entry for this variant (Variation ID: 1926936). An algorithm developed to predict the effect of missense changes on protein structure and function (PolyPhen-2) suggests that this variant¬†is likely to be tolerated. In summary, the available evidence is currently insufficient to determine the role of this variant in disease. Therefore, it has been classified as a Variant of Uncertain Significance.

Ambry Genetics
Classification: Uncertain significance for Inborn genetic diseases. Last evaluated: 2023-01-27. Review status: criteria provided, single submitter. Criteria: Ambry Variant Classification Scheme 2023. Collection method: clinical testing. Allele origin: germline.
Comment: The p.A21V variant (also known as c.62C>T), located in coding exon 1 of the MDH2 gene, results from a C to T substitution at nucleotide position 62. The alanine at codon 21 is replaced by valine, an amino acid with similar properties. This amino acid position is conserved. In addition, this alteration is predicted to be tolerated by in silico analysis. Since supporting evidence is limited at this time, the clinical significance of this alteration remains unclear.